The following is an entry in ClinVar:

NM_005076.5(CNTN2):c.358G>A (p.Val120Ile)

Gene: CNTN2 (contactin 2; plus strand). Cytogenetic location: 1q32.1.
Variant type: single nucleotide variant.
Coding change: c.358G>A on transcript NM_005076.5 (MANE Select); coding-DNA position 358, G replaced by A.
Protein change: p.Val120Ile; replaces valine 120 with isoleucine.
Molecular consequence: missense variant. On other transcripts: non-coding transcript variant (1).
Genome position (GRCh38, 1-based): chr1:205,058,323, G>A. VCF-style: chr1-205058323-G-A. GRCh37 (hg19) VCF-style: chr1-205027451-G-A.
Other names: c.358G>A, p.Val120Ile (NM_001346083.2); short protein forms V120I.
Identifiers: ClinVar variation 474483 (VCV000474483.5), dbSNP rs1424524492, ClinGen allele CA344405319.

ClinVar aggregate classification (germline): Uncertain significance (1 of 4 stars; one submission).

Conditions:
Epilepsy, familial adult myoclonic, 5 (EPEO5). Also called: CORTICAL MYOCLONIC TREMOR WITH EPILEPSY, FAMILIAL, 5. Identifiers: Orphanet 86814, MedGen C3809374, MONDO:0014167, OMIM 615400.

Allele frequency attached by ClinVar (database versions not stated): gnomAD 0.00002 and 0.00003; TOPMed 0.00002; gnomAD exomes 0.00003.
gnomAD v4.1: 43 of 1,526,322 alleles (0.0028%); highest among the groups gnomAD compares: East Asian, 0.016%; 1 homozygote.

Submission:

Labcorp Genetics (formerly Invitae), Labcorp
Classification: Uncertain significance for Epilepsy, familial adult myoclonic, 5. Last evaluated: 2025-08-21. Review status: criteria provided, single submitter. Criteria: Invitae Variant Classification Sherloc (09022015). Collection method: clinical testing. Allele origin: germline.
Comment: This sequence change replaces valine, which is neutral and non-polar, with isoleucine, which is neutral and non-polar, at codon 120 of the CNTN2 protein (p.Val120Ile). This variant is present in population databases (no rsID available, gnomAD 0.02%). This variant has not been reported in the literature in individuals affected with CNTN2-related conditions. ClinVar contains an entry for this variant (Variation ID: 474483). Invitae Evidence Modeling of protein sequence and biophysical properties (such as structural, functional, and spatial information, amino acid conservation, physicochemical variation, residue mobility, and thermodynamic stability) indicates that this missense variant is not expected to disrupt CNTN2 protein function with a negative predictive value of 95%. In summary, the available evidence is currently insufficient to determine the role of this variant in disease. Therefore, it has been classified as a Variant of Uncertain Significance.